The following is an entry in ClinVar:

NM_019109.5(ALG1):c.678del (p.Leu227fs)

Gene: ALG1 (ALG1 chitobiosyldiphosphodolichol beta-mannosyltransferase; plus strand). Cytogenetic location: 16p13.3.
Variant type: Deletion.
Coding change: c.678del on transcript NM_019109.5 (MANE Select); coding-DNA position 678, one base deleted (T; older notation c.678delT).
Protein change: p.Leu227fs; shifts the reading frame from leucine 227.
Molecular consequence: frameshift variant.
Genome position (GRCh38, 1-based): chr16:5,077,955, T deleted. VCF-style (leftmost placement, unchanged base first): chr16-5077954-CT-C. GRCh37 (hg19) VCF-style: chr16-5127955-CT-C.
Other names: c.345del, p.Leu116fs (NM_001330504.2); c.678del, p.Leu227fs (NM_001438123.1); short protein forms L116fs, L227fs.
Identifiers: ClinVar variation 4730930 (VCV004730930.1).

ClinVar aggregate classification (germline): Pathogenic (1 of 4 stars; one submission).

Conditions:
ALG1-congenital disorder of glycosylation. Also called: ALG1-CDG; CONGENITAL DISORDER OF GLYCOSYLATION, TYPE Ik; CDG Ik. Identifiers: Orphanet 79327, MedGen C2931005, MONDO:0012052, OMIM 608540.

Submission:

Labcorp Genetics (formerly Invitae), Labcorp
Classification: Pathogenic for ALG1-congenital disorder of glycosylation. Last evaluated: 2025-11-14. Review status: criteria provided, single submitter. Criteria: Invitae Variant Classification Sherloc (09022015). Collection method: clinical testing. Allele origin: germline.
Comment: This sequence change creates a premature translational stop signal (p.Leu227Trpfs*9) in the ALG1 gene. It is expected to result in an absent or disrupted protein product. Loss-of-function variants in ALG1 are known to be pathogenic (PMID: 20679665, 23806237). This variant is not present in population databases (gnomAD no frequency). This variant has not been reported in the literature in individuals affected with ALG1-related conditions. For these reasons, this variant has been classified as Pathogenic.

Literature cited by the submitters: PubMed 20679665; PubMed 23806237.